The following is an entry in ClinVar:

ClinVar aggregate classification (germline): Benign/Likely benign. Review status: criteria provided, multiple submitters, no conflicts (2 of 4 stars). 8 submissions from 8 submitters: Benign (1); Likely benign (7). Last evaluated 2026-05-22.

Conditions:
Hereditary cancer-predisposing syndrome. Also called: Neoplastic Syndromes, Hereditary; Hereditary Cancer Syndrome; Tumor predisposition; Hereditary neoplastic syndrome. Identifiers: Orphanet 140162, MedGen C0027672, MeSH D009386, MONDO:0015356.
Neurofibromatosis, type 1 (NF1). Also called: Peripheral type neurofibromatosis; Neurofibromatosis, type I; VON RECKLINGHAUSEN DISEASE; NEUROFIBROMATOSIS, TYPE I, SOMATIC. Identifiers: Orphanet 636, MedGen C0027831, MONDO:0018975, OMIM 162200. Disease mechanism: loss of function.

Allele frequency attached by ClinVar (database versions not stated): gnomAD exomes 0.00001; TOPMed 0.00002; gnomAD 0.00003.
gnomAD v4.1: 22 of 1,613,838 alleles (0.0014%); highest among the groups gnomAD compares: Non-Finnish European, 0.0018%; no homozygotes.

Submissions (8):

Myriad Genetics, Inc.
Classification: Benign for Neurofibromatosis, type 1. Last evaluated: 2026-05-22. Review status: criteria provided, single submitter. Criteria: Myriad Autosomal Dominant, Autosomal Recessive and X-Linked Classification Criteria (2023). Collection method: clinical testing. Allele origin: unknown.
Comment: This variant is considered benign. This variant is a silent/synonymous amino acid change and it is not expected to impact splicing.

Labcorp Genetics (formerly Invitae), Labcorp
Classification: Likely benign for Neurofibromatosis, type 1. Last evaluated: 2026-02-02. Review status: criteria provided, single submitter. Criteria: Invitae Variant Classification Sherloc (09022015). Collection method: clinical testing. Allele origin: germline.

Laboratory of Genetics, Children's Clinical University Hospital Latvia
Classification: Likely benign. Last evaluated: 2025-02-16. Review status: criteria provided, single submitter. Criteria: ACMG Guidelines, 2015. Collection method: clinical testing. Allele origin: germline. Affected: yes.

Blueprint Genetics
Classification: Likely benign. Last evaluated: 2023-08-07. Review status: criteria provided, single submitter. Criteria: ACMG Guidelines, 2015. Collection method: clinical testing. Allele origin: germline.

Genome-Nilou Lab
Classification: Likely benign for Neurofibromatosis, type 1. Last evaluated: 2022-03-15. Review status: criteria provided, single submitter. Criteria: ACMG Guidelines, 2015. Collection method: clinical testing. Allele origin: germline. Affected: no.

Sema4
Classification: Likely benign for Hereditary cancer-predisposing syndrome. Last evaluated: 2021-05-07. Review status: criteria provided, single submitter. Criteria: Sema4 Curation Guidelines. Collection method: curation. Allele origin: germline.

GeneDx
Classification: Likely benign. Last evaluated: 2019-02-14. Review status: criteria provided, single submitter. Criteria: GeneDx Variant Classification Process June 2021. Collection method: clinical testing. Allele origin: germline. Affected: yes.

Ambry Genetics
Classification: Likely benign for Hereditary cancer-predisposing syndrome. Last evaluated: 2015-02-05. Review status: criteria provided, single submitter. Criteria: Ambry Autosomal Dominant and X-Linked criteria (10/2015). Collection method: clinical testing. Allele origin: germline. Observed: 1 variant allele.

NM_001042492.3(NF1):c.7758A>C (p.Ser2586=)

Gene: NF1 (neurofibromin 1; plus strand). Cytogenetic location: 17q11.2.
Variant type: single nucleotide variant.
Coding change: c.7758A>C on transcript NM_001042492.3 (MANE Select); coding-DNA position 7758, A replaced by C.
Protein change: p.Ser2586=; no amino-acid change (serine 2586 retained).
Molecular consequence: synonymous variant.
Genome position (GRCh38, 1-based): chr17:31,356,979, A>C. VCF-style: chr17-31356979-A-C. GRCh37 (hg19) VCF-style: chr17-29683997-A-C.
Other names: c.7695A>C, p.Ser2565= (NM_000267.4).
Identifiers: ClinVar variation 230434 (VCV000230434.19), dbSNP rs876658564, ClinGen allele CA10580420.